The following is an entry in ClinVar:

NM_001278689.2(EOGT):c.1074del (p.Gly359fs)

Gene: EOGT (EGF domain specific O-linked N-acetylglucosamine transferase; minus strand). Cytogenetic location: 3p14.1.
Variant type: Deletion.
Coding change: c.1074del on transcript NM_001278689.2 (MANE Select); coding-DNA position 1074, one base deleted (A; older notation c.1074delA).
Protein change: p.Gly359fs; shifts the reading frame from glycine 359.
Molecular consequence: frameshift variant. On other transcripts: non-coding transcript variant (1), intron variant (1).
Genome position (GRCh38, 1-based): chr3:68,988,304, T deleted on the plus strand (A on the coding strand, the reverse complement: EOGT is on the minus strand); the first of 2 consecutive T bases (chr3:68,988,304-68,988,305); deleting either gives the same sequence. VCF-style (leftmost placement, unchanged base first): chr3-68988303-CT-C. GRCh37 (hg19) VCF-style: chr3-69037454-CT-C.
Other names: c.832-791del (NM_173654.3); c.1074delA (NM_001278689.1); c.832-791delA (NM_173654.3); short protein forms G359fs.
Identifiers: ClinVar variation 55817 (VCV000055817.47), dbSNP rs587776994, ClinGen allele CA214430.
Genomic context (GRCh38, chr3:68,988,303, plus strand): 5'-TATTAGGGAAGAAAACTCAAGCCCACCTCAGAATCCGCAGTGTATCCATTACCTTAGGTC[CT>C]TCTTGTGTGATGTTTAGTCTGTGTAGTACATGCTGGGCAAATGCCCTGAATAGTCCAGTA-3'

ClinVar aggregate classification (germline): Pathogenic/Likely pathogenic. Review status: criteria provided, multiple submitters, no conflicts (2 of 4 stars). 6 submissions from 5 submitters: Pathogenic (3); Likely pathogenic (1). 2 of the submissions do not count toward it. Last evaluated 2025-07-21.

Conditions:
Adams-Oliver syndrome (AOS). Identifiers: Orphanet 974, MedGen C0265268, MONDO:0007034.
Adams-Oliver syndrome 4 (AOS4). Identifiers: Orphanet 974, MedGen C3809092, MONDO:0014124, OMIM 615297.

Submissions (6):

First Genomix Gene Laboratory, Genetic Diagnostics Department
Classification: Pathogenic for Adams-Oliver syndrome 4. Last evaluated: 2025-07-21. Review status: criteria provided, single submitter. Criteria: ACMG Guidelines, 2015. Collection method: clinical testing. Allele origin: germline. Inheritance: Autosomal recessive inheritance. Affected: no. Observed: 1 variant allele.

Genomic Medicine Center of Excellence, King Faisal Specialist Hospital and Research Centre
Classification: Likely pathogenic for Adams-Oliver syndrome 4. Last evaluated: 2024-04-04. Review status: criteria provided, single submitter. Criteria: ACMG Guidelines, 2015. Collection method: clinical testing. Allele origin: germline.

3billion
Classification: Pathogenic for Adams-Oliver syndrome 4. Last evaluated: 2021-10-02. Review status: criteria provided, single submitter. Criteria: ACMG Guidelines, 2015. Collection method: clinical testing. Allele origin: unknown. Affected: yes. Observed: 1 homozygote.
Comment: Frameshift: predicted to result in a loss or disruption of normal protein function through nonsense-mediated decay (NMD) or protein truncation. Multiple pathogenic variants are reported downstream of the variant (PVS1_VS). It is not observed in the gnomAD v2.1.1 dataset (PM2). The variant has been reported as pathogenic/likely pathogenic without evidence for the classification (ClinVar ID: VCV000523612.1). Therefore, this variant is classified as pathogenic according to the recommendation of ACMG/AMP guideline.

CeGaT Center for Human Genetics Tuebingen
Classification: Pathogenic. Last evaluated: 2019-04-01. Review status: criteria provided, single submitter. Criteria: CeGaT Center For Human Genetics Tuebingen Variant Classification Criteria Version 2. Collection method: clinical testing. Allele origin: germline. Affected: yes. Observed: 2 variant alleles.

Genomic Medicine Center of Excellence, King Faisal Specialist Hospital and Research Centre
Classification: Likely pathogenic for Adams-Oliver syndrome. Last evaluated: 2014-12-01. Review status: no assertion criteria provided. Criteria: research. Collection method: research. Allele origin: germline. Affected: yes. Not counted in ClinVar's aggregate classification.

OMIM
Classification: Pathogenic for ADAMS-OLIVER SYNDROME 4. Last evaluated: 2013-04-04. Review status: no assertion criteria provided. Collection method: literature only. Allele origin: germline. Not counted in ClinVar's aggregate classification.

Literature cited by the submitters: PubMed 25558065 (cited by Genomic Medicine Center of Excellence, King Faisal Specialist Hospital and Research Centre); PubMed 23522784 (cited by OMIM).